The following continues an entry in ClinVar:

NM_000256.3(MYBPC3):c.2429G>A (p.Arg810His)

Gene: MYBPC3. ClinVar aggregate classification (germline): Conflicting classifications of pathogenicity. Pathogenic (1); Likely pathogenic (15); Uncertain significance (2).

Submissions 8 to 17 of 20:

Victorian Clinical Genetics Services, Murdoch Childrens Research Institute
Classification: Likely pathogenic for Hypertrophic cardiomyopathy 4. Last evaluated: 2024-10-09. Review status: criteria provided, single submitter. Criteria: ACMG Guidelines, 2015. Collection method: clinical testing. Allele origin: germline. Inheritance: Autosomal dominant inheritance. Affected: yes.
Comment: Based on the classification scheme VCGS_Germline_v1.3.4, this variant is classified as Likely pathogenic. Following criteria are met: 0102 - Loss of function is a known mechanism of disease in this gene and is associated with hypertrophic cardiomyopathy 4 (HCM; MIM#115197). (I) 0108 - This gene is associated with both recessive and dominant disease. Dominant inheritance is frequently reported in adult onset conditions, however recessive inheritance results in a more severe early onset phenotype (OMIM). (I) 0115 - Variants in this gene are known to have variable expressivity (PMID: 32841044). (I) 0200 - Variant is predicted to result in a missense amino acid change from arginine to histidine. (I) 0251 - Variant is heterozygous. (I) 0304 - Variant is present in gnomAD (v2&v3) <0.01 (20 heterozygotes, 0 homozygotes). (SP) 0309 - An alternative amino acid change at the same position has been observed in gnomAD (v3) (1 heterozygote, 0 homozygotes). (I) 0502 - Missense variant with conflicting in silico predictions and very high conservation. (I) 0602 - Variant is located in a hotspot region or cluster of pathogenic variants in the C6 domain (PMID: 32841044). (SP) 0708 - Other missense variants comparable to the one identified in this case have conflicting previous evidence for pathogenicity. Alternate changes to glycine and cysteine at the same residue have previously been reported as VUS. Additionally, an alternate change to leucine has been reported as both VUS and likely pathogenic (ClinVar, PMIDs: 20624503, 21835320, 28840316, 30847666). (I) 0802 - This variant has moderate previous evidence of pathogenicity in unrelated individuals. Historically, this variant had conflicting interpretations and was more commonly regarded as a VUS, however, more recent studies have upgraded the classification to likely pathogenic. The variant has been observed in more than thirty individuals with HCM. Additionally, individuals harbouring a second pathogenic variant, either compound heterozygous in MYBPC3 or in a different HCM-associated gene, generally present with a more severe phenotype than heterozygotes (ClinVar, VCGS, PMIDs: 12951062, 30847666, 32841044, 33558530). (SP) 1010 - Functional evidence for this variant is inconclusive. In a functional study using rat ventricular myocytes, the variant was not shown to impact myofilament assembly similar to pathogenic variants in the C10 domain, however it did show a significantly increased protein half-life compared to wild type. The authors concluded that further work is required to elucidate the pathogenic mechanism of variants located in the C3 and C6 domains (PMID: 32841044). (I) 1208 - Inheritance information for this variant is not currently available in this individual. (I) Legend: (SP) - Supporting pathogenic, (I) - Information, (SB) - Supporting benign

All of Us Research Program, National Institutes of Health
Classification: Likely pathogenic for Hypertrophic cardiomyopathy. Last evaluated: 2024-09-27. Review status: criteria provided, single submitter. Criteria: ACMG Guidelines, 2015. Collection method: clinical testing. Allele origin: germline. Inheritance: Autosomal dominant inheritance. Observed: 12 variant alleles, 12 heterozygotes.
Comment: This missense variant replaces arginine with histidine at codon 810 in the fibronectin type 3 domain C6 of the MYBPC3 protein. Computational prediction is inconclusive regarding the impact of this variant on protein structure and function (internally defined REVEL score threshold 0.5 < inconclusive < 0.7, PMID: 27666373). A functional study has shown that this variant had a 44% prolonged MyBPC protein half-life compared to wild-type (PMID: 32841044). However, clinical relevance of this observation is not clear. This variant has been reported in over 30 individuals affected with hypertrophic cardiomyopathy (PMID: 12951062, 15519027, 15936968, 20031618, 20624503, 21185001, 21302287, 25524337, 26090888, 27483260, 27532257, 27600940, 35626289). One of these individuals also carried a different pathogenic missense variant in the MYBPC3 gene (PMID: 12951062). This variant has been reported in homozygosity in two individuals affected with hypertrophic cardiomyopathy (PMID: 12951062, 30847666). It has been shown that this variant segregates with disease in multiple affected individuals in several families (PMID: 21185001; communication with an external laboratory, ClinVar Variation ID: 42620). This variant has been identified in 12/249184 chromosomes in the general population by the Genome Aggregation Database (gnomAD). Based on the available evidence, this variant is classified as Likely Pathogenic.

This study involves interpretation of variants in research participants for the purpose of population health screening. Participant phenotype was not available at the time of variant classification. Additional details can be found in publication PMID: 35346344, PMCID: PMC8962531

Blueprint Genetics
Classification: Likely pathogenic for MYBPC3-related disorders. Last evaluated: 2024-07-19. Review status: criteria provided, single submitter. Criteria: ACMG Guidelines, 2015. Collection method: clinical testing. Allele origin: germline. Affected: yes. Observed: 5 variant alleles.

Fulgent Genetics
Classification: Likely pathogenic for Hypertrophic cardiomyopathy 4; Left ventricular noncompaction 10. Last evaluated: 2024-05-31. Review status: criteria provided, single submitter. Criteria: ACMG Guidelines, 2015. Collection method: clinical testing. Allele origin: germline.

Clinical Genetics Laboratory, Skane University Hospital Lund
Classification: Likely pathogenic. Last evaluated: 2023-12-15. Review status: criteria provided, single submitter. Criteria: ACMG Guidelines, 2015. Collection method: clinical testing. Allele origin: germline. Affected: yes.

Molecular Genetics, Royal Melbourne Hospital
Classification: Likely pathogenic for Hypertrophic cardiomyopathy. Last evaluated: 2023-07-07. Review status: criteria provided, single submitter. Criteria: ACMG Guidelines, 2015. Collection method: clinical testing. Allele origin: germline. Inheritance: Semidominant inheritance. Affected: yes.
Comment: This sequence change in MYBPC3 is predicted to replace arginine with histidine at codon 810, p.(Arg810His). The arginine residue is highly conserved (100 vertebrates, UCSC), and is located in the fibronectin (C6) type III domain (amino acids 774-870), a region that is defined as a mutational hotspot (PMID: 32841044). There is a small physicochemical difference between arginine and histidine. The highest population minor allele frequency in the population database gnomAD v2.1 is 0.01% (11/112,984 alleles) in the European (non-Finnish) population. This variant has been reported in multiple individuals with hypertrophic cardiomyopathy (HCM; PMID: 2861529, 15519027, 27483260, 27532257, 27600940, 25637381, 25351510, 20031618, 15936968, 21302287). Of those individuals, one individual was homozygous for the variant with a severe phenotype and one was compound heterozygous for the variant with a milder phenotype (PMID:12951062; 18761664). The prevalence of the variant in affected individuals is significantly increased compared with the prevalence in controls (OR = 39.3) (PMID: 32841044). The variant has been reported to segregate in two affected family members from one family with MYBPC3-related cardiomyopathy (PMID: 21158001). Computational evidence is uninformative for the missense substitution (REVEL = 0.618). Another missense variant (c.2429G>T p.Arg810Leu), with a similar physicochemical difference in the same codon has been classified as likely pathogenic for MYBPC3-related HCM (ClinVar Variation ID:181127). Based on the classification scheme RMH Modified ACMG/AMP Guidelines v1.6.1, this variant is classified as LIKELY PATHOGENIC. Following criteria are met: PM1, PM3_Supporting, PS4

CHEO Genetics Diagnostic Laboratory, Children's Hospital of Eastern Ontario
Classification: Likely pathogenic for Cardiomyopathy. Last evaluated: 2023-03-15. Review status: criteria provided, single submitter. Criteria: ACMG Guidelines, 2015. Collection method: clinical testing. Allele origin: germline.

Laboratory for Molecular Medicine, Mass General Brigham Personalized Medicine
Classification: Likely pathogenic for Hypertrophic cardiomyopathy. Last evaluated: 2021-08-05. Review status: criteria provided, single submitter. Criteria: ACMG Guidelines, 2015. Collection method: clinical testing. Allele origin: germline. Inheritance: Autosomal dominant inheritance.
Comment: The p.Arg810His variant in MYBPC3 has been identified in the heterozygous state in >35 individuals with HCM and segregated with disease in 3 affected relatives from 3 families (Nanni 2003 PMID: 12951062, Van Driest 2004 PMID: 15519027, Van Driest 2005 PMID: 15936968, Kaski 2009 PMID: 20031618, Roncarati 2011 PMID: 21302287, Maron 2011 PMID: 21185001, Rubattu 2015 PMID: 27483260, Walsh 2017 PMID: 27532257, Invitae pers. comm., Ambry pers. comm., GeneDx pers. comm., LMM data). It was also identified in 9 individuals with additional disease-causing variants in cardiomyopathy related genes (Nanni 2003 PMID: 12951062, Van Driest 2005 PMID: 15936968, Liu 2015 PMID: 26090888, Ambry pers. comm., GeneDx pers. comm., LMM data). On average, these individuals with a second variant had an earlier age of onset than the heterozygous individuals. This variant has also been identified in 0.009% (11/112984) of European chromosomes by gnomAD and has been reported by other clinical laboratories in ClinVar (Variation ID# 42620). Computational prediction tools and conservation analyses are consistent with pathogenicity. Based on criteria selected, this variant would be classified as uncertain significance; however, the available evidence is sufficiently borderline and the earlier age of onset in individuals with additional disease-causing variants provided additional evidence not accounted for by the current rules. Therefore, although additional studies are required to fully establish its clinical significance, this variant meets criteria to be classified as likely pathogenic for autosomal dominant HCM. ACMG/AMP Criteria applied: PS4_Moderate, PP1, PP3, with adjustment based on clinical judgment.

Eurofins Ntd Llc (ga)
Classification: Uncertain significance. Last evaluated: 2018-01-02. Review status: criteria provided, single submitter. Criteria: EGL Classification Definitions 2015. Collection method: clinical testing. Allele origin: germline. Observed: 1 variant allele, 1 heterozygote.

Stanford Center for Inherited Cardiovascular Disease, Stanford University
Classification: Uncertain significance. Last evaluated: 2015-07-29. Review status: criteria provided, single submitter. Criteria: ACMG Guidelines, 2015. Collection method: provider interpretation. Allele origin: germline.